The following is an entry in ClinVar:

NM_000257.4(MYH7):c.1792A>G (p.Lys598Glu)

Gene: MYH7 (myosin heavy chain 7; minus strand). Cytogenetic location: 14q11.2.
Variant type: single nucleotide variant.
Coding change: c.1792A>G on transcript NM_000257.4 (MANE Select); coding-DNA position 1792, A replaced by G.
Protein change: p.Lys598Glu; replaces lysine 598 with glutamic acid.
Molecular consequence: missense variant.
Genome position (GRCh38, 1-based): chr14:23,427,681, T>C on the plus strand (A>G on the coding strand, the complement: MYH7 is on the minus strand). VCF-style: chr14-23427681-T-C. GRCh37 (hg19) VCF-style: chr14-23896890-T-C.
Other names: c.1792A>G (LRG_384t1); short protein forms K598E.
Identifiers: ClinVar variation 373253 (VCV000373253.3), dbSNP rs1057518305, ClinGen allele CA16042878.
Genomic context (GRCh38, chr14:23,427,681, plus strand): 5'-TGAGCAGCTTGAGGGAAGACTTCTGATACAAGCCCACGACAGTCTCATTGAGAGGATCCT[T>C]GTTCTTCTGCAGCCAGCCAATGATGTTGTAGTCCACGATGCCGGCATAGTGGATCAGGGA-3'
Protein context (NP_000248.2, residues 588-608): YNIIGWLQKN[Lys598Glu]DPLNETVVGL

ClinVar aggregate classification (germline): Uncertain significance. Review status: criteria provided, multiple submitters, no conflicts (2 of 4 stars). 2 submissions from 2 submitters: Uncertain significance (2). Last evaluated 2020-07-09.

Conditions:
Dilated cardiomyopathy 1S (CMD1S). Identifiers: Orphanet 154, Orphanet 54260, MedGen C1834481, MONDO:0013262, OMIM 613426.

Submissions (2):

New York Genome Center
Classification: Uncertain significance for Dilated cardiomyopathy 1S. Last evaluated: 2020-07-09. Review status: criteria provided, single submitter. Criteria: NYGC Assertion Criteria 2020. Collection method: clinical testing. Allele origin: germline. Observed: 1 heterozygote. Study: CSER-NYCKidSeq.
Comment: The heterozygous p.Lys598Glu missense variant identified in the MYH7 gene has not been reported in affected individuals in the literature to the best of our knowledge. The variant is reported in ClinVar as a variant of uncertain significance (Variation ID:373253). The variant is absent from gnomAD(v3) database indicating it is an extremely rare allele in populations represented in the database. The p.Lys598Glu variant affects an evolutionarily conserved reside and is predicted deleterious by multiple in silico prediction tools. Based on the available evidence, the p.Lys598Glu variant in MYH7 is assessed as a variant of uncertain significance.

GeneDx
Classification: Uncertain significance. Last evaluated: 2017-05-31. Review status: criteria provided, single submitter. Criteria: GeneDx Variant Classification (06012015). Collection method: clinical testing. Allele origin: germline. Affected: yes.
Comment: A variant of uncertain significance has been identified in the MYH7 gene. The K598E variant has not been published as a pathogenic variant, nor has it been reported as a benign variant to our knowledge. The K598E variant was not observed in approximately 6500 individuals of European and African American ancestry in the NHLBI Exome Sequencing Project, indicating it is not a common benign variant in these populations. The K598E variant is a non-conservative amino acid substitution, which is likely to impact secondary protein structure as these residues differ in polarity, charge, size and/or other properties. Furthermore, this substitution occurs at a position that is conserved across species, and in silico analysis predicts this variant is probably damaging to the protein structure/function. Nevertheless, this variant has not been identified in a significant number of affected individuals, and there are no functional studies or segregation data available to clarify the role of this variant in disease.